The following is an entry in ClinVar:

ClinVar aggregate classification (germline): Uncertain significance (1 of 4 stars; one submission).

Conditions:
Tuberous sclerosis 2 (TSC2). Identifiers: Orphanet 805, MedGen C1860707, MONDO:0013199, OMIM 613254.

Submission:

Labcorp Genetics (formerly Invitae), Labcorp
Classification: Uncertain significance for Tuberous sclerosis 2. Last evaluated: 2024-01-28. Review status: criteria provided, single submitter. Criteria: Invitae Variant Classification Sherloc (09022015). Collection method: clinical testing. Allele origin: germline.
Comment: This sequence change replaces aspartic acid, which is acidic and polar, with tyrosine, which is neutral and polar, at codon 702 of the TSC2 protein (p.Asp702Tyr). This variant is not present in population databases (gnomAD no frequency). This variant has not been reported in the literature in individuals affected with TSC2-related conditions. Advanced modeling of protein sequence and biophysical properties (such as structural, functional, and spatial information, amino acid conservation, physicochemical variation, residue mobility, and thermodynamic stability) has been performed at Invitae for this missense variant, however the output from this modeling did not meet the statistical confidence thresholds required to predict the impact of this variant on TSC2 protein function. In summary, the available evidence is currently insufficient to determine the role of this variant in disease. Therefore, it has been classified as a Variant of Uncertain Significance.

NM_000548.5(TSC2):c.2104G>T (p.Asp702Tyr)

Gene: TSC2 (TSC complex subunit 2; plus strand). Cytogenetic location: 16p13.3.
Variant type: single nucleotide variant.
Coding change: c.2104G>T on transcript NM_000548.5 (MANE Select); coding-DNA position 2104, G replaced by T.
Protein change: p.Asp702Tyr; replaces aspartic acid 702 with tyrosine.
Molecular consequence: missense variant. On other transcripts: non-coding transcript variant (5).
Genome position (GRCh38, 1-based): chr16:2,072,247, G>T. VCF-style: chr16-2072247-G-T. GRCh37 (hg19) VCF-style: chr16-2122248-G-T.
Other names: c.2104G>T, p.Asp702Tyr (NM_001077183.3, NM_001114382.3, NM_021055.3 and 6 more transcripts); c.2194G>T, p.Asp732Tyr (NM_001406667.1, NM_001406668.1); c.1993G>T, p.Asp665Tyr (NM_001406670.1, NM_001406678.1, NM_001318827.2); c.2092G>T, p.Asp698Tyr (NM_001406671.1, NM_001406673.1); c.1957G>T, p.Asp653Tyr (NM_001406675.1, NM_001406676.1, NM_001318829.2 and 1 more transcripts); c.2047G>T, p.Asp683Tyr (NM_001406677.1); c.760G>T, p.Asp254Tyr (NM_001406689.1, NM_001406690.1, NM_001406691.1 and 6 more transcripts); c.502G>T, p.Asp168Tyr (NM_001406698.1); and 3 more; short protein forms D548Y, D502Y, D653Y, D665Y, D254Y, D683Y, D698Y, D702Y.
Identifiers: ClinVar variation 2713812 (VCV002713812.3), dbSNP rs2151315707, ClinGen allele CA394274759.